The following is an entry in ClinVar:

ClinVar aggregate classification (germline): Likely benign. Review status: criteria provided, multiple submitters, no conflicts (2 of 4 stars). 2 submissions from 2 submitters: Likely benign (2). Last evaluated 2025-01-27.

Conditions:
Koolen-de Vries syndrome (KDVS). Identifiers: Orphanet 96169, MedGen C1864871, MONDO:0012496, OMIM 610443.

Allele frequency attached by ClinVar (database versions not stated): gnomAD exomes below 0.00001; gnomAD 0.00002.
gnomAD v4.1: 9 of 1,614,156 alleles (0.00056%); highest among the groups gnomAD compares: African/African-American, 0.0053%; no homozygotes.

Submissions (2):

Labcorp Genetics (formerly Invitae), Labcorp
Classification: Likely benign for Koolen-de Vries syndrome. Last evaluated: 2025-01-27. Review status: criteria provided, single submitter. Criteria: Invitae Variant Classification Sherloc (09022015). Collection method: clinical testing. Allele origin: germline.

CeGaT Center for Human Genetics Tuebingen
Classification: Likely benign. Last evaluated: 2022-06-01. Review status: criteria provided, single submitter. Criteria: CeGaT Center For Human Genetics Tuebingen Variant Classification Criteria Version 2. Collection method: clinical testing. Allele origin: germline. Affected: yes. Observed: 1 variant allele.
Comment: KANSL1: BP4, BP7

NM_015443.4(KANSL1):c.228A>G (p.Gln76=)

Gene: KANSL1 (KAT8 regulatory NSL complex subunit 1). Cytogenetic location: 17q21.31.
Variant type: single nucleotide variant.
Coding change: c.228A>G on transcript NM_015443.4 (MANE Select); coding-DNA position 228, A replaced by G.
Protein change: p.Gln76=; no amino-acid change (glutamine 76 retained).
Molecular consequence: synonymous variant.
Genome position (GRCh38, 1-based): chr17:46,171,916, T>C on the plus strand (A>G on the coding strand, the complement: KANSL1 is on the minus strand). VCF-style: chr17-46171916-T-C. GRCh37 (hg19) VCF-style: chr17-44249282-T-C.
Other names: c.228A>G, p.Gln76= (NM_001193465.2, NM_001193466.2, NM_001379198.1).
Identifiers: ClinVar variation 1115842 (VCV001115842.32), dbSNP rs1018528687, ClinGen allele CA291115072.